The following is an entry in ClinVar:

ClinVar aggregate classification (germline): Uncertain significance (0 of 4 stars; one submission).

Conditions:
KDM6A-related disorder. Also called: KDM6A-related condition.

gnomAD v4.1: 1 of 1,202,350 alleles (0.000083%); highest among the groups gnomAD compares: Non-Finnish European, 0.00011%; no homozygotes.

Submission:

PreventionGenetics, part of Exact Sciences
Classification: Uncertain significance for KDM6A-related condition. Last evaluated: 2024-04-05. Review status: no assertion criteria provided. Collection method: clinical testing. Allele origin: germline.
Comment: The KDM6A c.3215G>A variant is predicted to result in the amino acid substitution p.Gly1072Glu. To our knowledge, this variant has not been reported in the literature or in gnomAD, indicating this variant is rare. At this time, the clinical significance of this variant is uncertain due to the absence of conclusive functional and genetic evidence.

NM_001291415.2(KDM6A):c.3371G>A (p.Gly1124Glu)

Gene: KDM6A (lysine demethylase 6A; plus strand). Cytogenetic location: Xp11.3.
Variant type: single nucleotide variant.
Coding change: c.3371G>A on transcript NM_001291415.2 (MANE Select); coding-DNA position 3371, G replaced by A.
Protein change: p.Gly1124Glu; replaces glycine 1124 with glutamic acid.
Molecular consequence: missense variant. On other transcripts: non-coding transcript variant (1).
Genome position (GRCh38, 1-based): chrX:45,082,720, G>A. VCF-style: chrX-45082720-G-A. GRCh37 (hg19) VCF-style: chrX-44941965-G-A.
Other names: c.3236G>A, p.Gly1079Glu (NM_001291416.2, NM_001419811.1); c.3080G>A, p.Gly1027Glu (NM_001291417.2); c.2978G>A, p.Gly993Glu (NM_001291418.2, NM_001419815.1); c.2327G>A, p.Gly776Glu (NM_001291421.2); c.3113G>A, p.Gly1038Glu (NM_001410742.1, NM_001419814.1); c.3371G>A, p.Gly1124Glu (NM_001419809.1); c.3269G>A, p.Gly1090Glu (NM_001419810.1, NM_001419813.1); c.3215G>A, p.Gly1072Glu (NM_001419812.1, NM_021140.4); short protein forms G1027E, G1038E, G1072E, G1079E, G1090E, G1124E, G776E, G993E.
Identifiers: ClinVar variation 3347270 (VCV003347270.1).
Genomic context (GRCh38, chrX:45,082,720, plus strand): 5'-CACTTAGTATTTCTTTTTAAAAGGCATGTTTCTAATACTGTGTCTCTTTTTTAAGTTCTG[G>A]GAGGAGGAGGAAAGGACCCTTTAAAACCATAAAGTTTGGGACCAATATTGACCTATCTGA-3'
Protein context (NP_001278344.1, residues 1114-1134): DSESTSSDNS[Gly1124Glu]RRRKGPFKTI